The following is an entry in ClinVar:

ClinVar aggregate classification (germline): Uncertain significance (1 of 4 stars; one submission).

Conditions:
TH-deficient dopa-responsive dystonia. Also called: Tyrosine Hydroxylase-Deficient Dopa-Responsive Dystonia; DYT-TH; Segawa syndrome, autosomal recessive. Identifiers: Orphanet 101150, MedGen C2673535, MONDO:0011551, OMIM 605407.

Submission:

Labcorp Genetics (formerly Invitae), Labcorp
Classification: Uncertain significance for TH-deficient dopa-responsive dystonia. Last evaluated: 2018-12-18. Review status: criteria provided, single submitter. Criteria: Invitae Variant Classification Sherloc (09022015). Collection method: clinical testing. Allele origin: germline.
Comment: In summary, the available evidence is currently insufficient to determine the role of this variant in disease. Therefore, it has been classified as a Variant of Uncertain Significance. Algorithms developed to predict the effect of missense changes on protein structure and function are either unavailable or do not agree on the potential impact of this missense change (SIFT: "Tolerated"; PolyPhen-2: "Possibly Damaging"; Align-GVGD: "Class C0"). This variant has not been reported in the literature in individuals with TH-related conditions. This variant is not present in population databases (ExAC no frequency). This sequence change replaces alanine with aspartic acid at codon 11 of the TH protein (p.Ala11Asp). The alanine residue is weakly conserved and there is a moderate physicochemical difference between alanine and aspartic acid.

NM_000360.4(TH):c.32C>A (p.Ala11Asp)

Gene: TH (tyrosine hydroxylase; minus strand). Cytogenetic location: 11p15.5.
Variant type: single nucleotide variant.
Coding change: c.32C>A on transcript NM_000360.4 (MANE Select); coding-DNA position 32, C replaced by A.
Protein change: p.Ala11Asp; replaces alanine 11 with aspartic acid.
Molecular consequence: missense variant.
Genome position (GRCh38, 1-based): chr11:2,171,755, G>T on the plus strand (C>A on the coding strand, the complement: TH is on the minus strand). VCF-style: chr11-2171755-G-T. GRCh37 (hg19) VCF-style: chr11-2192985-G-T.
Other names: c.32C>A, p.Ala11Asp (NM_199292.3, NM_199293.3); short protein forms A11D.
Identifiers: ClinVar variation 664062 (VCV000664062.7), dbSNP rs933425557, ClinGen allele CA379112873.